The following is an entry in ClinVar:

NC_000007.14:g.156769361T>C

Genes: LMBR1 (limb development membrane protein 1; minus strand), SHH (sonic hedgehog signaling molecule; minus strand). Cytogenetic location: 7q36.3.
Variant type: single nucleotide variant.
Molecular consequence: intron variant (on NM_022458.4).
Genome position: GRCh38 VCF-style: chr7-156769361-T-C. GRCh37 (hg19) VCF-style: chr7-156562055-T-C.
Other names: c.361-5566A>G (NM_001363412.2); c.145-5566A>G (NM_001350954.2); c.424-5566A>G (NM_001363410.2, NM_022458.4, NM_001363409.2 and 1 more transcripts); c.-33-5566A>G (NM_001350958.2, NM_001350956.2, NM_001350955.2 and 1 more transcripts); c.55-5566A>G (NM_001350957.2, NM_001363411.2).
Identifiers: ClinVar variation 2015018 (VCV002015018.4), dbSNP rs1481069091, ClinGen allele CA2580077759.

ClinVar aggregate classification (germline): Uncertain significance (1 of 4 stars; one submission).

Conditions:
Holoprosencephaly 3 (HPE3). Identifiers: Orphanet 2162, MedGen C1840529, MONDO:0007733, OMIM 142945.

Submission:

Labcorp Genetics (formerly Invitae), Labcorp
Classification: Uncertain significance for Holoprosencephaly 3. Last evaluated: 2022-09-23. Review status: criteria provided, single submitter. Criteria: Invitae Variant Classification Sherloc (09022015). Collection method: clinical testing. Allele origin: germline.
Comment: This variant occurs in a non-coding region of the SHH gene. It does not change the encoded amino acid sequence of the SHH protein. This variant is not present in population databases (gnomAD no frequency). This variant has not been reported in the literature in individuals affected with SHH-related conditions. Experimental studies and prediction algorithms are not available or were not evaluated, and the effect of this variant on mRNA splicing is currently unknown. In summary, the available evidence is currently insufficient to determine the role of this variant in disease. Therefore, it has been classified as a Variant of Uncertain Significance.